The following is an entry in ClinVar:

ClinVar aggregate classification (germline): Uncertain significance (1 of 4 stars; one submission).

Conditions:
Syndromic intellectual disability. Also called: Intellectual disability syndrome. Identifiers: Orphanet 183763, MedGen C5680525, MONDO:0000508.

Submission:

Broad Center for Mendelian Genomics, Broad Institute of MIT and Harvard
Classification: Uncertain significance for Syndromic intellectual disability. Last evaluated: 2025-07-18. Review status: criteria provided, single submitter. Criteria: ACMG Guidelines, 2015. Collection method: curation. Allele origin: germline. Inheritance: Autosomal dominant inheritance. Study: GREGoR Consortium.
Comment: While this gene is still lacking sufficient evidence to establish a gene-disease relationship, we believe this is a possible novel gene candidate for syndromic intellectual disability. Given the limited information about this gene-disease relationship, the significance of the p.Ala194Gly variant is uncertain. If you have any additional information about functional evidence or other individuals with this phenotype that also have variants in BAZ1B we encourage you to reach out to us.

NM_032408.4(BAZ1B):c.581C>G (p.Ala194Gly)

Gene: BAZ1B (bromodomain adjacent to zinc finger domain 1B; minus strand). Cytogenetic location: 7q11.23.
Variant type: single nucleotide variant.
Coding change: c.581C>G on transcript NM_032408.4 (MANE Select); coding-DNA position 581, C replaced by G.
Protein change: p.Ala194Gly; replaces alanine 194 with glycine.
Molecular consequence: missense variant.
Genome position (GRCh38, 1-based): chr7:73,492,912, G>C on the plus strand (C>G on the coding strand, the complement: BAZ1B is on the minus strand). VCF-style: chr7-73492912-G-C. GRCh37 (hg19) VCF-style: chr7-72907242-G-C.
Other names: NM_001370402.1:c.581C>G; c.581C>G, p.Ala194Gly (NM_001370402.1); short protein forms A194G.
Identifiers: ClinVar variation 4070928 (VCV004070928.1).
Genomic context (GRCh38, chr7:73,492,912, plus strand): 5'-GGAGCCCATTTCCTTTCTCCTTTTTTTAATGAAGTAGGAAGTTTTCGTGGCGATCTACGT[G>C]CTCTGTCATCTAGTCAAATCATAGAAAATTAGTGAAAAACGTAATTATTTTAATCCTTTT-3'
Protein context (NP_115784.1, residues 184-204): EGRRESINDR[Ala194Gly]RRSPRKLPTS